The following is an entry in ClinVar:

NM_016616.5(NME8):c.16C>T (p.Arg6Ter)

Gene: NME8 (NME/NM23 family member 8; plus strand). Cytogenetic location: 7p14.1.
Variant type: single nucleotide variant.
Coding change: c.16C>T on transcript NM_016616.5 (MANE Select); coding-DNA position 16, C replaced by T.
Protein change: p.Arg6Ter; replaces arginine 6 with a stop codon.
Molecular consequence: nonsense.
Genome position (GRCh38, 1-based): chr7:37,850,282, C>T. VCF-style: chr7-37850282-C-T. GRCh37 (hg19) VCF-style: chr7-37889884-C-T.
Other names: short protein forms R6*.
Identifiers: ClinVar variation 4806447 (VCV004806447.1).

ClinVar aggregate classification (germline): Uncertain significance (1 of 4 stars; one submission).

Conditions:
Primary ciliary dyskinesia 6. Also called: Primary Ciliary Dyskinesia 6: TXNDC3-Related Primary Ciliary Dyskinesia. Identifiers: Orphanet 244, MedGen C1970506, MONDO:0012571, OMIM 610852.

gnomAD v4.1: 22 of 1,613,860 alleles (0.0014%); highest among the groups gnomAD compares: East Asian, 0.0089%; no homozygotes.

Submission:

Labcorp Genetics (formerly Invitae), Labcorp
Classification: Uncertain significance for Primary ciliary dyskinesia 6. Last evaluated: 2025-06-29. Review status: criteria provided, single submitter. Criteria: Invitae Variant Classification Sherloc (09022015). Collection method: clinical testing. Allele origin: germline.
Comment: This sequence change creates a premature translational stop signal (p.Arg6*) in the NME8 gene. It is expected to result in an absent or disrupted protein product. However, the current clinical and genetic evidence is not sufficient to establish whether loss-of-function variants in NME8 cause disease. This variant is present in population databases (rs750045501, gnomAD 0.02%). This variant has not been reported in the literature in individuals affected with NME8-related conditions. In summary, the available evidence is currently insufficient to determine the role of this variant in disease. Therefore, it has been classified as a Variant of Uncertain Significance.